The following is an entry in ClinVar:

NM_007315.4(STAT1):c.1756C>G (p.Arg586Gly)

Gene: STAT1 (signal transducer and activator of transcription 1; minus strand). Cytogenetic location: 2q32.2.
Variant type: single nucleotide variant.
Coding change: c.1756C>G on transcript NM_007315.4 (MANE Select); coding-DNA position 1756, C replaced by G.
Protein change: p.Arg586Gly; replaces arginine 586 with glycine.
Molecular consequence: missense variant.
Genome position (GRCh38, 1-based): chr2:190,978,973, G>C on the plus strand (C>G on the coding strand, the complement: STAT1 is on the minus strand). VCF-style: chr2-190978973-G-C. GRCh37 (hg19) VCF-style: chr2-191843699-G-C.
Other names: c.1696C>G, p.Arg566Gly (NM_001384880.1); c.1762C>G, p.Arg588Gly (NM_001384881.1, NM_001384884.1); c.1750C>G, p.Arg584Gly (NM_001384882.1); c.1657C>G, p.Arg553Gly (NM_001384883.1); c.1597C>G, p.Arg533Gly (NM_001384885.1); c.1756C>G, p.Arg586Gly (NM_001384886.1, NM_001384889.1, NM_139266.3); c.1663C>G, p.Arg555Gly (NM_001384887.1); c.1726C>G, p.Arg576Gly (NM_001384888.1); and 2 more; short protein forms R533G, R553G, R555G, R586G, R556G, R598G, R576G, R584G.
Identifiers: ClinVar variation 2935428 (VCV002935428.3), dbSNP rs1315345636, ClinGen allele CA349913795.

ClinVar aggregate classification (germline): Uncertain significance (1 of 4 stars; one submission).

Conditions:
Mendelian susceptibility to mycobacterial diseases due to partial STAT1 deficiency. Also called: IMMUNODEFICIENCY 31A, MYCOBACTERIOSIS, AUTOSOMAL DOMINANT; STAT1 DEFICIENCY, AUTOSOMAL DOMINANT; Immunodeficiency 31a. Identifiers: Orphanet 319595, MedGen C4013950, MONDO:0013956, OMIM 614892.
Immunodeficiency 31B. Also called: STAT1 DEFICIENCY, AUTOSOMAL RECESSIVE; IMMUNODEFICIENCY 31B, MYCOBACTERIAL AND VIRAL INFECTIONS, AUTOSOMAL RECESSIVE. Identifiers: Orphanet 391311, MedGen C3151088, MONDO:0013427, OMIM 613796.
Autoimmune enteropathy and endocrinopathy - susceptibility to chronic infections syndrome. Also called: Immunodeficiency 31C, autosomal dominant; Immunodeficiency 31C. Identifiers: Orphanet 391487, MedGen C3279990, MONDO:0013599, OMIM 614162.

gnomAD v4.1: 4 of 1,614,164 alleles (0.00025%); highest among the groups gnomAD compares: Non-Finnish European, 0.000085%; no homozygotes.

Submission:

Labcorp Genetics (formerly Invitae), Labcorp
Classification: Uncertain significance for Mendelian susceptibility to mycobacterial diseases due to partial STAT1 deficiency; Immunodeficiency 31B; Autoimmune enteropathy and endocrinopathy - susceptibility to chronic infections syndrome. Last evaluated: 2023-06-24. Review status: criteria provided, single submitter. Criteria: Invitae Variant Classification Sherloc (09022015). Collection method: clinical testing. Allele origin: germline.
Comment: This variant is present in population databases (no rsID available, gnomAD 0.004%). This sequence change replaces arginine, which is basic and polar, with glycine, which is neutral and non-polar, at codon 586 of the STAT1 protein (p.Arg586Gly). In summary, the available evidence is currently insufficient to determine the role of this variant in disease. Therefore, it has been classified as a Variant of Uncertain Significance. An algorithm developed to predict the effect of missense changes on protein structure and function (PolyPhen-2) suggests that this variant is likely to be tolerated. This variant has not been reported in the literature in individuals affected with STAT1-related conditions.